The following is an entry in ClinVar:

NM_021930.6(RINT1):c.1637T>A (p.Ile546Asn)

Gene: RINT1 (RAD50 interactor 1; plus strand). Cytogenetic location: 7q22.3.
Variant type: single nucleotide variant.
Coding change: c.1637T>A on transcript NM_021930.6 (MANE Select); coding-DNA position 1637, T replaced by A.
Protein change: p.Ile546Asn; replaces isoleucine 546 with asparagine.
Molecular consequence: missense variant.
Genome position (GRCh38, 1-based): chr7:105,555,193, T>A. VCF-style: chr7-105555193-T-A. GRCh37 (hg19) VCF-style: chr7-105195640-T-A.
Other names: c.1403T>A, p.Ile468Asn (NM_001346599.2); c.614T>A, p.Ile205Asn (NM_001346600.2, NM_001346603.2); c.713T>A, p.Ile238Asn (NM_001346601.2); short protein forms I546N, I205N, I468N, I238N.
Identifiers: ClinVar variation 2563367 (VCV002563367.2), dbSNP rs1025431730, ClinGen allele CA368811920.

ClinVar aggregate classification (germline): Uncertain significance (1 of 4 stars; one submission).

Submission:

Ambry Genetics
Classification: Uncertain significance. Last evaluated: 2023-06-05. Review status: criteria provided, single submitter. Criteria: Ambry Variant Classification Scheme 2023. Collection method: clinical testing. Allele origin: germline.
Comment: The p.I546N variant (also known as c.1637T>A), located in coding exon 11 of the RINT1 gene, results from a T to A substitution at nucleotide position 1637. The isoleucine at codon 546 is replaced by asparagine, an amino acid with dissimilar properties. This amino acid position is conserved. In addition, the in silico prediction for this alteration is inconclusive. Since supporting evidence is limited at this time, the clinical significance of this alteration remains unclear.